The following is an entry in ClinVar:

NM_001377458.1(CLCC1):c.912CAC[1] (p.Thr306del)

Gene: CLCC1 (chloride channel CLIC like 1; minus strand). Cytogenetic location: 1p13.3.
Variant type: Microsatellite.
Coding change: c.912CAC[1] on transcript NM_001377458.1 (MANE Select); one copy of the 3-base unit CAC starting at c.912; the reference has two copies in a row; one copy, 3 bases deleted.
Protein change: p.Thr306del; deletes threonine 306.
Molecular consequence: inframe deletion. On other transcripts: non-coding transcript variant (1).
Genome position (GRCh38, 1-based): chr1:108,939,760-108,939,762, GTG deleted on the plus strand (CAC on the coding strand, the reverse complement: CLCC1 is on the minus strand); deleting any 3 consecutive bases within chr1:108,939,760-108,939,765 gives the same sequence; the position shown is the placement nearest the transcript's 3' end. VCF-style (leftmost placement, unchanged base first): chr1-108939759-TGTG-T. GRCh37 (hg19) VCF-style: chr1-109482381-TGTG-T.
Other names: c.912CAC[1], p.Thr306del (NM_001048210.3, NM_001377459.1, NM_001377460.1 and 8 more transcripts); c.549CAC[1], p.Thr185del (NM_001278202.2); c.357CAC[1], p.Thr121del (NM_001278203.1); c.810CAC[1], p.Thr272del (NM_001377469.1); c.621CAC[1], p.Thr209del (NM_001377470.1); c.762CAC[1], p.Thr256del (NM_015127.5); short protein forms T256del, T306del, T121del, T185del, T209del, T272del.
Identifiers: ClinVar variation 1991101 (VCV001991101.1), dbSNP rs1557892841, ClinGen allele CA525264475.

ClinVar aggregate classification (germline): Uncertain significance (1 of 4 stars; one submission).

Submission:

Labcorp Genetics (formerly Invitae), Labcorp
Classification: Uncertain significance. Last evaluated: 2022-06-08. Review status: criteria provided, single submitter. Criteria: Invitae Variant Classification Sherloc (09022015). Collection method: clinical testing. Allele origin: germline.
Comment: This variant, c.915_917del, results in the deletion of 1 amino acid(s) of the CLCC1 protein (p.Thr306del), but otherwise preserves the integrity of the reading frame. This variant is present in population databases (no rsID available, gnomAD 0.0009%). This variant has not been reported in the literature in individuals affected with CLCC1-related conditions. Experimental studies and prediction algorithms are not available or were not evaluated, and the functional significance of this variant is currently unknown. In summary, the available evidence is currently insufficient to determine the role of this variant in disease. Therefore, it has been classified as a Variant of Uncertain Significance.